The following is an entry in ClinVar:

NM_014874.4(MFN2):c.150C>A (p.Ile50=)

Gene: MFN2 (mitofusin 2; plus strand). Cytogenetic location: 1p36.22.
Variant type: single nucleotide variant.
Coding change: c.150C>A on transcript NM_014874.4 (MANE Select); coding-DNA position 150, C replaced by A.
Protein change: p.Ile50=; no amino-acid change (isoleucine 50 retained).
Molecular consequence: synonymous variant.
Genome position (GRCh38, 1-based): chr1:11,989,318, C>A. VCF-style: chr1-11989318-C-A. GRCh37 (hg19) VCF-style: chr1-12049375-C-A.
Other names: p.I50I:ATC>ATA; c.150C>A, p.Ile50= (NM_001127660.2).
Identifiers: ClinVar variation 138219 (VCV000138219.28), dbSNP rs78841746, ClinGen allele CA292082.

ClinVar aggregate classification (germline): Benign/Likely benign. Review status: criteria provided, multiple submitters, no conflicts (2 of 4 stars). 8 submissions from 7 submitters: Benign (5); Likely benign (1). 2 of the submissions do not count toward it. Last evaluated 2026-02-02.

Conditions:
Charcot-Marie-Tooth disease type 2. Also called: Charcot-Marie-Tooth type 2. Identifiers: Orphanet 64746, MedGen C0270914, MONDO:0018993.
Charcot-Marie-Tooth disease. Also called: Charcot-Marie-Tooth Neuropathy; Charcot-Marie-Tooth Hereditary Neuropathy. Identifiers: Orphanet 166, MedGen C0007959, MONDO:0015626.
Hereditary motor and sensory neuropathy with optic atrophy. Also called: PERIPHERAL NEUROPATHY AND OPTIC ATROPHY; CHARCOT-MARIE-TOOTH DISEASE, TYPE 6. Identifiers: Orphanet 90120, MedGen C0393807, MONDO:0019551.

Allele frequency attached by ClinVar (database versions not stated): gnomAD 0.00089 and 0.00130; ExAC 0.00257; 1000 Genomes Project 0.00938; gnomAD exomes 0.00292; 1000 Genomes Project 30x 0.00812; TOPMed 0.00168.
gnomAD v4.1: 1,476 of 1,614,042 alleles (0.091%); highest among the groups gnomAD compares: East Asian, 2.8%; 22 homozygotes.

Submissions (8):

Labcorp Genetics (formerly Invitae), Labcorp
Classification: Benign for Charcot-Marie-Tooth disease type 2. Last evaluated: 2026-02-02. Review status: criteria provided, single submitter. Criteria: Invitae Variant Classification Sherloc (09022015). Collection method: clinical testing. Allele origin: germline.

ARUP Laboratories, Molecular Genetics and Genomics, ARUP Laboratories
Classification: Benign. Last evaluated: 2024-11-21. Review status: criteria provided, single submitter. Criteria: ARUP Molecular Germline Variant Investigation Process 2024. Collection method: clinical testing. Allele origin: germline.

Illumina Laboratory Services, Illumina
Classification: Benign for Charcot-Marie-Tooth disease, type 2. Last evaluated: 2018-01-13. Review status: criteria provided, single submitter. Criteria: ICSL Variant Classification Criteria 13 December 2019. Collection method: clinical testing. Allele origin: germline.
Comment: This variant was observed in the ICSL laboratory as part of a predisposition screen in an ostensibly healthy population. It had not been previously curated by ICSL or reported in the Human Gene Mutation Database (HGMD: prior to June 1st, 2018), and was therefore a candidate for classification through an automated scoring system. Utilizing variant allele frequency, disease prevalence and penetrance estimates, and inheritance mode, an automated score was calculated to assess if this variant is too frequent to cause the disease. Based on the score and internal cut-off values, a variant classified as benign is not then subjected to further curation. The score for this variant resulted in a classification of benign for this disease.

Illumina Laboratory Services, Illumina
Classification: Benign for Neuropathy, hereditary motor and sensory, type 6A. Last evaluated: 2018-01-13. Review status: criteria provided, single submitter. Criteria: ICSL Variant Classification Criteria 13 December 2019. Collection method: clinical testing. Allele origin: germline.
Comment: the same text as in the submission from Illumina Laboratory Services, Illumina above.

GeneDx
Classification: Benign. Last evaluated: 2014-05-27. Review status: criteria provided, single submitter. Criteria: GeneDx Variant Classification (06012015). Collection method: clinical testing. Allele origin: germline. Affected: yes.
Comment: This variant is considered likely benign or benign based on one or more of the following criteria: it is a conservative change, it occurs at a poorly conserved position in the protein, it is predicted to be benign by multiple in silico algorithms, and/or has population frequency not consistent with disease.

Molecular Genetics Laboratory, London Health Sciences Centre
Classification: Likely benign for Charcot-Marie-Tooth disease. Review status: criteria provided, single submitter. Criteria: ACMG Guidelines, 2015. Collection method: clinical testing. Allele origin: germline. Affected: yes.

Clinical Genetics DNA and cytogenetics Diagnostics Lab, Erasmus MC, Erasmus Medical Center
Classification: Likely benign. Review status: no assertion criteria provided. Collection method: clinical testing. Allele origin: germline. Affected: yes. Study: VKGL Data-share Consensus. Not counted in ClinVar's aggregate classification.

Clinical Genetics, Academic Medical Center
Classification: Benign. Review status: no assertion criteria provided. Collection method: clinical testing. Allele origin: germline. Affected: yes. Study: VKGL Data-share Consensus. Not counted in ClinVar's aggregate classification.